The following is an entry in ClinVar:

ClinVar aggregate classification (germline): Uncertain significance. Review status: criteria provided, single submitter (1 of 4 stars). 2 submissions from 2 submitters: Uncertain significance (1). 1 of the submissions does not count toward it. Last evaluated 2024-03-01.

Conditions:
GPBAR1-related disorder. Also called: GPBAR1-related condition.

Allele frequency attached by ClinVar (database versions not stated): ExAC 0.00002; gnomAD exomes 0.00002; gnomAD 0.00004; TOPMed 0.00007.

Submissions (2):

Ambry Genetics
Classification: Uncertain significance. Last evaluated: 2024-03-01. Review status: criteria provided, single submitter. Criteria: Ambry Variant Classification Scheme 2023. Collection method: clinical testing. Allele origin: germline.

PreventionGenetics, part of Exact Sciences
Classification: Uncertain significance for GPBAR1-related condition. Last evaluated: 2024-03-29. Review status: no assertion criteria provided. Collection method: clinical testing. Allele origin: germline. Not counted in ClinVar's aggregate classification.
Comment: The GPBAR1 c.811G>A variant is predicted to result in the amino acid substitution p.Ala271Thr. To our knowledge, this variant has not been reported in the literature. This variant is reported in 0.013% of alleles in individuals of South Asian descent in gnomAD. Of note, a missense variant at an adjacent amino acid (p.Ser272Gly) has been reported in one patient with sclerosing cholangitis (referred to as TGR5snp17 in Table 2, Hov et al. 2010. PubMed ID: 20811628). At this time, the clinical significance of the c.811G>A (p.Ala271Thr) variant is uncertain due to the absence of conclusive functional and genetic evidence.

NM_170699.3(GPBAR1):c.811G>A (p.Ala271Thr)

Gene: GPBAR1 (G protein-coupled bile acid receptor 1; plus strand). Cytogenetic location: 2q35.
Variant type: single nucleotide variant.
Coding change: c.811G>A on transcript NM_170699.3 (MANE Select); coding-DNA position 811, G replaced by A.
Protein change: p.Ala271Thr; replaces alanine 271 with threonine.
Molecular consequence: missense variant.
Genome position (GRCh38, 1-based): chr2:218,263,535, G>A. VCF-style: chr2-218263535-G-A. GRCh37 (hg19) VCF-style: chr2-219128258-G-A.
Other names: c.811G>A, p.Ala271Thr (NM_001077191.2, NM_001077194.2, NM_001321950.2); c.811G>A (NM_001321950.1); short protein forms A271T.
Identifiers: ClinVar variation 3101205 (VCV003101205.2), dbSNP rs753986195, ClinGen allele CA2102690.